The following is an entry in ClinVar:

NM_000038.6(APC):c.2050_2051del (p.Leu684fs)

Gene: APC (APC regulator of Wnt signaling pathway; plus strand). Cytogenetic location: 5q22.2.
Variant type: Deletion.
Coding change: c.2050_2051del on transcript NM_000038.6 (MANE Select); coding-DNA positions 2050 to 2051, 2 bases deleted (TT; older notation c.2050_2051delTT).
Protein change: p.Leu684fs; shifts the reading frame from leucine 684.
Molecular consequence: frameshift variant.
Genome position (GRCh38, 1-based): chr5:112,837,644-112,837,645, TT deleted; deleting any 2 consecutive bases within chr5:112,837,643-112,837,645 gives the same sequence; the c. name uses the placement nearest the transcript's 3' end. VCF-style (leftmost placement, unchanged base first): chr5-112837642-CTT-C. GRCh37 (hg19) VCF-style: chr5-112173339-CTT-C.
Other names: c.2050_2051del, p.Leu684fs (NM_001127510.3, NM_001354895.2); c.1996_1997del, p.Leu666fs (NM_001127511.3); c.2104_2105del, p.Leu702fs (NM_001354896.2); c.2080_2081del, p.Leu694fs (NM_001354897.2); c.1975_1976del, p.Leu659fs (NM_001354898.2); c.1966_1967del, p.Leu656fs (NM_001354899.2); c.1927_1928del, p.Leu643fs (NM_001354900.2); c.1873_1874del, p.Leu625fs (NM_001354901.2); and 16 more; short protein forms L524fs, L666fs, L694fs, L558fs, L625fs, L702fs, L583fs, L593fs.
Identifiers: ClinVar variation 2203684 (VCV002203684.5), dbSNP rs2533393352, ClinGen allele CA2580072394.

ClinVar aggregate classification (germline): Pathogenic. Review status: criteria provided, multiple submitters, no conflicts (2 of 4 stars). 2 submissions from 2 submitters: Pathogenic (2). Last evaluated 2023-05-03.

Conditions:
Familial adenomatous polyposis 1 (FAP1). Also called: POLYPOSIS, ADENOMATOUS INTESTINAL; FAMILIAL ADENOMATOUS POLYPOSIS 1, ATTENUATED. Identifiers: MedGen C2713442, MONDO:0021056, OMIM 175100. Disease mechanism: loss of function.

Submissions (2):

Myriad Genetics, Inc.
Classification: Pathogenic for Familial adenomatous polyposis 1. Last evaluated: 2023-05-03. Review status: criteria provided, single submitter. Criteria: Myriad Autosomal Dominant, Autosomal Recessive and X-Linked Classification Criteria (2023). Collection method: clinical testing. Allele origin: unknown.
Comment: This variant is considered pathogenic. This variant creates a frameshift predicted to result in premature protein truncation.

Labcorp Genetics (formerly Invitae), Labcorp
Classification: Pathogenic for Familial adenomatous polyposis 1. Last evaluated: 2023-01-09. Review status: criteria provided, single submitter. Criteria: Invitae Variant Classification Sherloc (09022015). Collection method: clinical testing. Allele origin: germline.
Comment: This sequence change creates a premature translational stop signal (p.Leu684Valfs*9) in the APC gene. While this is not anticipated to result in nonsense mediated decay, it is expected to disrupt the last 2160 amino acid(s) of the APC protein. This variant is not present in population databases (gnomAD no frequency). For these reasons, this variant has been classified as Pathogenic. This variant is expected to disrupt the EB1 and HDLG binding sites, which mediate interactions with the cytoskeleton (PMID: 15311282, 17293347). While functional studies have not been performed to directly test the effect on APC protein function, this suggests that disruption of the C-terminal portion of the protein is functionally important. A different truncation (p.Tyr2645Lysfs*14) that lies downstream of this variant has been determined to be pathogenic (PMID: 9824584, 1316610, 27081525, 8381579, 22135120, Invitae). This suggests that deletion of this region of the APC protein is causative of disease. This premature translational stop signal has been observed in individual(s) with suspected familial adenomatous polyposis (PMID: 23159591).

Literature cited by the submitters: PubMed 15311282 (cited by Labcorp Genetics (formerly Invitae), Labcorp); PubMed 17293347 (cited by Labcorp Genetics (formerly Invitae), Labcorp); PubMed 9824584 (cited by Labcorp Genetics (formerly Invitae), Labcorp); PubMed 1316610 (cited by Labcorp Genetics (formerly Invitae), Labcorp); PubMed 27081525 (cited by Labcorp Genetics (formerly Invitae), Labcorp); PubMed 8381579 (cited by Labcorp Genetics (formerly Invitae), Labcorp); PubMed 22135120 (cited by Labcorp Genetics (formerly Invitae), Labcorp); PubMed 23159591 (cited by Labcorp Genetics (formerly Invitae), Labcorp).